The following is an entry in ClinVar:

NM_001370259.2(MEN1):c.262G>T (p.Ala88Ser)

Gene: MEN1 (menin 1; minus strand). Cytogenetic location: 11q13.1.
Variant type: single nucleotide variant.
Coding change: c.262G>T on transcript NM_001370259.2 (MANE Select); coding-DNA position 262, G replaced by T.
Protein change: p.Ala88Ser; replaces alanine 88 with serine.
Molecular consequence: missense variant.
Genome position (GRCh38, 1-based): chr11:64,809,848, C>A on the plus strand (G>T on the coding strand, the complement: MEN1 is on the minus strand). VCF-style: chr11-64809848-C-A. GRCh37 (hg19) VCF-style: chr11-64577320-C-A.
Other names: c.262G>T, p.Ala88Ser (NM_000244.4, NM_001370251.2, NM_001370260.2 and 9 more transcripts); short protein forms A88S.
Identifiers: ClinVar variation 620610 (VCV000620610.4), dbSNP rs1565651916, ClinGen allele CA381187532.

ClinVar aggregate classification (germline): Uncertain significance. Review status: criteria provided, multiple submitters, no conflicts (2 of 4 stars). 2 submissions from 2 submitters: Uncertain significance (2). Last evaluated 2025-03-11.

Conditions:
Neuroblastoma (NB). Identifiers: Orphanet 635, MedGen C0027819, MeSH D009447, MONDO:0005072, HP:0003006.

Submissions (2):

GeneDx
Classification: Uncertain significance. Last evaluated: 2025-03-11. Review status: criteria provided, single submitter. Criteria: GeneDx Variant Classification Process June 2021. Collection method: clinical testing. Allele origin: germline. Affected: yes.
Comment: Not observed at significant frequency in large population cohorts (gnomAD); In silico analysis indicates that this missense variant does not alter protein structure/function; Has not been previously published as pathogenic or benign to our knowledge

St. Jude Molecular Pathology, St. Jude Children's Research Hospital
Classification: Uncertain significance for Neuroblastoma. Last evaluated: 2016-07-22. Review status: criteria provided, single submitter. Criteria: ACMG Guidelines, 2015. Collection method: clinical testing. Allele origin: germline. Affected: yes.